The following is an entry in ClinVar:

NM_006420.3(ARFGEF2):c.2418T>G (p.Asp806Glu)

Gene: ARFGEF2 (ARF guanine nucleotide exchange factor 2; plus strand). Cytogenetic location: 20q13.13.
Variant type: single nucleotide variant.
Coding change: c.2418T>G on transcript NM_006420.3 (MANE Select); coding-DNA position 2418, T replaced by G.
Protein change: p.Asp806Glu; replaces aspartic acid 806 with glutamic acid.
Molecular consequence: missense variant.
Genome position (GRCh38, 1-based): chr20:48,988,547, T>G. VCF-style: chr20-48988547-T-G. GRCh37 (hg19) VCF-style: chr20-47605084-T-G.
Other names: c.2415T>G, p.Asp805Glu (NM_001410846.1); short protein forms D805E, D806E.
Identifiers: ClinVar variation 4681912 (VCV004681912.5).

ClinVar aggregate classification (germline): Uncertain significance (1 of 4 stars; one submission).

gnomAD v4.1: 1 of 1,613,700 alleles (0.000062%); highest among the groups gnomAD compares: Non-Finnish European, 0.000085%; no homozygotes.

Submission:

CeGaT Center for Human Genetics Tuebingen
Classification: Uncertain significance. Last evaluated: 2025-12-01. Review status: criteria provided, single submitter. Criteria: CeGaT Center For Human Genetics Tuebingen Variant Classification Criteria Version 2. Collection method: clinical testing. Allele origin: germline. Affected: yes. Observed: 1 variant allele.
Comment: ARFGEF2: PM2